The following is an entry in ClinVar:

NM_022356.4(P3H1):c.2051_2054del (p.Glu684fs)

Gene: P3H1 (prolyl 3-hydroxylase 1; minus strand). Cytogenetic location: 1p34.2.
Variant type: Microsatellite.
Coding change: c.2051_2054del on transcript NM_022356.4 (MANE Select); coding-DNA positions 2051 to 2054, 4 bases deleted (AGCG; older notation c.2051_2054delAGCG).
Protein change: p.Glu684fs; shifts the reading frame from glutamic acid 684.
Molecular consequence: frameshift variant.
Genome position (GRCh38, 1-based): chr1:42,747,273-42,747,276, CGCT deleted on the plus strand (AGCG on the coding strand, the reverse complement: P3H1 is on the minus strand); deleting any 4 consecutive bases within chr1:42,747,273-42,747,280 gives the same sequence; the c. name uses the placement nearest the transcript's 3' end. VCF-style (leftmost placement, unchanged base first): chr1-42747272-CCGCT-C. GRCh37 (hg19) VCF-style: chr1-43212943-CCGCT-C.
Other names: p.Glu684GlyfsTer2; c.2051_2054del, p.Glu684fs (NM_001146289.2, NM_001243246.2); short protein forms E684fs.
Identifiers: ClinVar variation 1342297 (VCV001342297.4), dbSNP rs2124076122, ClinGen allele CA2580611155.

ClinVar aggregate classification (germline): Pathogenic (1 of 4 stars; one submission).

Conditions:
Osteogenesis imperfecta type 8 (OI8). Identifiers: MedGen C1970458, MONDO:0012581, OMIM 610915.

Submission:

Foundation for Research in Genetics and Endocrinology, FRIGE's Institute of Human Genetics
Classification: Pathogenic for Osteogenesis imperfecta type 8. Last evaluated: 2021-09-02. Review status: criteria provided, single submitter. Criteria: ACMG Guidelines, 2015. Collection method: clinical testing. Allele origin: germline. Inheritance: Autosomal recessive inheritance. Affected: no. Observed: 1 heterozygote.
Comment: A heterozygous four base pair deletion in exon 14 of the P3H1 gene that results in a frameshift and premature truncation of protein 2 amino acids downstream to codon 684 was detected. The observed variant c.2051_2054del (p.Glu684GlyfsTer2) has not been reported in the 1000 genomes and gnomAD database. The in silico prediction of the variant is damaging by MutationTaster2. The reference codon is conserved across species. In summary, the variant meets our criteria to be classified as a pathogenic variant.